The following is an entry in ClinVar:

NM_001903.5(CTNNA1):c.2181_2184del (p.Asp728fs)

Gene: CTNNA1 (catenin alpha 1; plus strand). Cytogenetic location: 5q31.2.
Variant type: Deletion.
Coding change: c.2181_2184del on transcript NM_001903.5 (MANE Select); coding-DNA positions 2181 to 2184, 4 bases deleted (AGAC; older notation c.2181_2184delAGAC).
Protein change: p.Asp728fs; shifts the reading frame from aspartic acid 728.
Molecular consequence: frameshift variant.
Genome position (GRCh38, 1-based): chr5:138,930,643-138,930,646, AGAC deleted; deleting any 4 consecutive bases within chr5:138,930,640-138,930,646 gives the same sequence; the c. name uses the placement nearest the transcript's 3' end. VCF-style (leftmost placement, unchanged base first): chr5-138930639-TGACA-T. GRCh37 (hg19) VCF-style: chr5-138266328-TGACA-T.
Other names: c.2181_2184del, p.Asp728fs (NM_001290307.3, NM_001323982.2, NM_001323983.1 and 2 more transcripts); c.1872_1875del, p.Asp625fs (NM_001290309.3); c.1812_1815del, p.Asp605fs (NM_001290310.3); c.1071_1074del, p.Asp358fs (NM_001290312.1, NM_001323987.1, NM_001323988.1 and 17 more transcripts); c.2088_2091del, p.Asp697fs (NM_001323986.2); c.732_735del, p.Asp245fs (NM_001324006.1, NM_001324007.1, NM_001324008.1 and 2 more transcripts); c.978_981del, p.Asp327fs (NM_001324011.1); c.828_831del, p.Asp277fs (NM_001324012.1, NM_001324013.1); short protein forms D245fs, D277fs, D327fs, D358fs, D605fs, D625fs, D697fs, D728fs.
Identifiers: ClinVar variation 1000045 (VCV001000045.6), dbSNP rs1765096685, ClinGen allele CA1586087890.
Genomic context (GRCh38, chr5:138,930,639, plus strand): 5'-ACGACAGTGGCAATGACATCATTGTGCTGGCCAAGCAGATGTGCATGATTATGATGGAGA[TGACA>T]GACTTTACCCGGTGAGCAGCACCCCGGCCCCACCAGGCTGCACAGGGGCTACTTTCTTCC-3'

ClinVar aggregate classification (germline): Pathogenic (1 of 4 stars; one submission).

Submission:

Labcorp Genetics (formerly Invitae), Labcorp
Classification: Pathogenic. Last evaluated: 2023-08-14. Review status: criteria provided, single submitter. Criteria: Invitae Variant Classification Sherloc (09022015). Collection method: clinical testing. Allele origin: germline.
Comment: This sequence change creates a premature translational stop signal (p.Asp728Leufs*62) in the CTNNA1 gene. It is expected to result in an absent or disrupted protein product. Loss-of-function variants in CTNNA1 are known to be pathogenic (PMID: 32051609, 34425242). This variant is not present in population databases (gnomAD no frequency). This variant has not been reported in the literature in individuals affected with CTNNA1-related conditions. ClinVar contains an entry for this variant (Variation ID: 1000045). For these reasons, this variant has been classified as Pathogenic.

Literature cited by the submitters: PubMed 32051609; PubMed 34425242.